The following is an entry in ClinVar:

ClinVar aggregate classification (germline): Uncertain significance (1 of 4 stars; one submission).

gnomAD v4.1: 1 of 1,537,136 alleles (0.000065%); highest among the groups gnomAD compares: Non-Finnish European, 0.000087%; no homozygotes.

Submission:

Labcorp Genetics (formerly Invitae), Labcorp
Classification: Uncertain significance. Last evaluated: 2025-05-18. Review status: criteria provided, single submitter. Criteria: Invitae Variant Classification Sherloc (09022015). Collection method: clinical testing. Allele origin: germline.
Comment: This sequence change replaces arginine, which is basic and polar, with glycine, which is neutral and non-polar, at codon 459 of the FAM20C protein (p.Arg459Gly). This variant is not present in population databases (gnomAD no frequency). This missense change has been observed in individual(s) with Raine syndrome (PMID: 31471673). Invitae Evidence Modeling of protein sequence and biophysical properties (such as structural, functional, and spatial information, amino acid conservation, physicochemical variation, residue mobility, and thermodynamic stability) indicates that this missense variant is expected to disrupt FAM20C protein function with a positive predictive value of 80%. In summary, the available evidence is currently insufficient to determine the role of this variant in disease. Therefore, it has been classified as a Variant of Uncertain Significance.

Literature cited by the submitters: PubMed 31471673.

NM_020223.4(FAM20C):c.1375C>G (p.Arg459Gly)

Gene: FAM20C (FAM20C golgi associated secretory pathway kinase; plus strand). Cytogenetic location: 7p22.3.
Variant type: single nucleotide variant.
Coding change: c.1375C>G on transcript NM_020223.4 (MANE Select); coding-DNA position 1375, C replaced by G.
Protein change: p.Arg459Gly; replaces arginine 459 with glycine.
Molecular consequence: missense variant.
Genome position (GRCh38, 1-based): chr7:257,016, C>G. VCF-style: chr7-257016-C-G. GRCh37 (hg19) VCF-style: chr7-296982-C-G.
Other names: short protein forms R459G.
Identifiers: ClinVar variation 4737999 (VCV004737999.1).
Genomic context (GRCh38, chr7:257,016, plus strand): 5'-CGTGGCCCGGCTCCCCACGAGCTGTGACACTTTCTGCCTCTCTCCGCAGGAAACATGGAC[C>G]GTCACCACTACGAGACTTTTGAGAAGTTTGGGAATGAAACGTTCATCATCCACTTAGACA-3'
Protein context (NP_064608.2, residues 449-469): IFDFLMGNMD[Arg459Gly]HHYETFEKFG